The following is an entry in ClinVar:

NM_015338.6(ASXL1):c.397A>T (p.Asn133Tyr)

Gene: ASXL1 (ASXL transcriptional regulator 1; plus strand). Cytogenetic location: 20q11.21.
Variant type: single nucleotide variant.
Coding change: c.397A>T on transcript NM_015338.6 (MANE Select); coding-DNA position 397, A replaced by T.
Protein change: p.Asn133Tyr; replaces asparagine 133 with tyrosine.
Molecular consequence: missense variant.
Genome position (GRCh38, 1-based): chr20:32,428,348, A>T. VCF-style: chr20-32428348-A-T. GRCh37 (hg19) VCF-style: chr20-31016151-A-T.
Other names: c.367A>T, p.Asn123Tyr (NM_001363734.1); short protein forms N123Y, N133Y.
Identifiers: ClinVar variation 2578190 (VCV002578190.1), dbSNP rs2515492155, ClinGen allele CA408551822.

ClinVar aggregate classification (germline): Uncertain significance (1 of 4 stars; one submission).

Submission:

GeneDx
Classification: Uncertain significance. Last evaluated: 2023-03-03. Review status: criteria provided, single submitter. Criteria: GeneDx Variant Classification Process June 2021. Collection method: clinical testing. Allele origin: germline. Affected: yes.
Comment: Not observed at significant frequency in large population cohorts (gnomAD); In silico analysis supports that this missense variant has a deleterious effect on protein structure/function; Has not been previously published as pathogenic or benign to our knowledge